The following is an entry in ClinVar:

NM_001267550.2(TTN):c.99990A>G (p.Lys33330=)

Genes: TTN-AS1 (TTN antisense RNA 1; plus strand), TTN (titin; minus strand), LOC126806420 (BRD4-independent group 4 enhancer GRCh37_chr2:179401104-179402303; plus strand). Cytogenetic location: 2q31.2.
Variant type: single nucleotide variant.
Coding change: c.99990A>G on transcript NM_001267550.2 (MANE Select); coding-DNA position 99990, A replaced by G.
Protein change: p.Lys33330=; no amino-acid change (lysine 33330 retained).
Molecular consequence: synonymous variant.
Genome position (GRCh38, 1-based): chr2:178,537,119, T>C on the plus strand (A>G on the coding strand, the complement: TTN is on the minus strand). VCF-style: chr2-178537119-T-C. GRCh37 (hg19) VCF-style: chr2-179401846-T-C.
Other names: c.95067A>G, p.Lys31689= (NM_001256850.1); c.72795A>G, p.Lys24265= (NM_003319.4); c.92286A>G, p.Lys30762= (NM_133378.4); c.73170A>G, p.Lys24390= (NM_133432.3); c.73371A>G, p.Lys24457= (NM_133437.4).
Identifiers: ClinVar variation 290459 (VCV000290459.18), dbSNP rs749702063, ClinGen allele CA1986093.

ClinVar aggregate classification (germline): Conflicting classifications of pathogenicity. Review status: criteria provided, conflicting classifications (1 of 4 stars). 5 submissions from 5 submitters: Uncertain significance (2); Likely benign (3). Last evaluated 2025-06-15.

Conditions:
Cardiovascular phenotype. Identifiers: MedGen CN230736.
Autosomal recessive limb-girdle muscular dystrophy type 2J (LGMDR10). Also called: Limb-girdle muscular dystrophy, type 2J; MUSCULAR DYSTROPHY, LIMB-GIRDLE, AUTOSOMAL RECESSIVE 10. Identifiers: Orphanet 140922, MedGen C1837342, MONDO:0012127, OMIM 608807.
Dilated cardiomyopathy 1G (CMD1G). Identifiers: Orphanet 154, MedGen C1858763, MONDO:0011400, OMIM 604145.

Allele frequency attached by ClinVar (database versions not stated): gnomAD exomes 0.00001; ExAC 0.00002.
gnomAD v4.1: 8 of 1,613,280 alleles (0.0005%); highest among the groups gnomAD compares: Non-Finnish European, 0.00068%; no homozygotes.

Submissions (5):

Labcorp Genetics (formerly Invitae), Labcorp
Classification: Likely benign for Dilated cardiomyopathy 1G; Autosomal recessive limb-girdle muscular dystrophy type 2J. Last evaluated: 2025-06-15. Review status: criteria provided, single submitter. Criteria: Invitae Variant Classification Sherloc (09022015). Collection method: clinical testing. Allele origin: germline.

Molecular Diagnostic Laboratory for Inherited Cardiovascular Disease, Montreal Heart Institute
Classification: Likely benign. Last evaluated: 2025-04-09. Review status: criteria provided, single submitter. Criteria: ACMG Guidelines, 2015. Collection method: clinical testing. Allele origin: germline. Affected: no.

Women's Health and Genetics/Laboratory Corporation of America, LabCorp
Classification: Uncertain significance. Last evaluated: 2024-11-19. Review status: criteria provided, single submitter. Criteria: LabCorp Variant Classification Summary - May 2015. Collection method: clinical testing. Allele origin: germline.
Comment: Variant summary: TTN c.92286A>G alters a non-conserved nucleotide resulting in a synonymous change. Several computational tools predict a significant impact on normal splicing: Two predict the variant abolishes a cryptic 5' donor site. Two predict the variant weakens a cryptic 5' donor site. However, these predictions have yet to be confirmed by functional studies. The variant allele was found at a frequency of 8.1e-06 in 247700 control chromosomes. The available data on variant occurrences in the general population are insufficient to allow any conclusion about variant significance. To our knowledge, no occurrence of c.92286A>G in individuals affected with Autosomal Recessive Titinopathy and no experimental evidence demonstrating its impact on protein function have been reported. ClinVar contains an entry for this variant (Variation ID: 290459). Based on the evidence outlined above, the variant was classified as uncertain significance.

Ambry Genetics
Classification: Likely benign for Cardiovascular phenotype. Last evaluated: 2023-10-10. Review status: criteria provided, single submitter. Criteria: Ambry Variant Classification Scheme 2023. Collection method: clinical testing. Allele origin: germline.

Eurofins Ntd Llc (ga)
Classification: Uncertain significance. Last evaluated: 2016-09-22. Review status: criteria provided, single submitter. Criteria: EGL Classification Definitions 2015. Collection method: clinical testing. Allele origin: germline. Observed: 1 variant allele, 1 heterozygote.